The following is an entry in ClinVar:

ClinVar aggregate classification (germline): Uncertain significance. Review status: criteria provided, multiple submitters, no conflicts (2 of 4 stars). 2 submissions from 2 submitters: Uncertain significance (2). Last evaluated 2024-05-28.

Conditions:
Complex cortical dysplasia with other brain malformations 7. Identifiers: Orphanet 300573, MedGen C3552236, MONDO:0012399, OMIM 610031.

Submissions (2):

GeneDx
Classification: Uncertain significance. Last evaluated: 2024-05-28. Review status: criteria provided, single submitter. Criteria: GeneDx Variant Classification Process June 2021. Collection method: clinical testing. Allele origin: germline. Affected: yes.
Comment: Not observed at significant frequency in large population cohorts (gnomAD); Missense variants in this gene are a common cause of disease and they are underrepresented in the general population; In silico analysis supports that this missense variant has a deleterious effect on protein structure/function; Has not been previously published as pathogenic or benign to our knowledge; This variant is associated with the following publications: (PMID: 27010057)

Baylor Genetics
Classification: Uncertain significance for Complex cortical dysplasia with other brain malformations 7. Last evaluated: 2020-03-04. Review status: criteria provided, single submitter. Criteria: ACMG Guidelines, 2015. Collection method: clinical testing. Allele origin: unknown. Affected: yes.
Comment: This variant was determined to be of uncertain significance according to ACMG Guidelines, 2015 [PMID:25741868].

NM_178012.5(TUBB2B):c.761C>A (p.Ala254Glu)

Gene: TUBB2B (tubulin beta 2B class IIb; minus strand). Cytogenetic location: 6p25.2.
Variant type: single nucleotide variant.
Coding change: c.761C>A on transcript NM_178012.5 (MANE Select); coding-DNA position 761, C replaced by A.
Protein change: p.Ala254Glu; replaces alanine 254 with glutamic acid.
Molecular consequence: missense variant.
Genome position (GRCh38, 1-based): chr6:3,225,328, G>T on the plus strand (C>A on the coding strand, the complement: TUBB2B is on the minus strand). VCF-style: chr6-3225328-G-T. GRCh37 (hg19) VCF-style: chr6-3225562-G-T.
Other names: short protein forms A254E.
Identifiers: ClinVar variation 1030360 (VCV001030360.2), dbSNP rs1757274660, ClinGen allele CA362587071.